The following is an entry in ClinVar:

NM_001291303.3(FAT4):c.12464A>C (p.Gln4155Pro)

Gene: FAT4 (FAT atypical cadherin 4; plus strand). Cytogenetic location: 4q28.1.
Variant type: single nucleotide variant.
Coding change: c.12464A>C on transcript NM_001291303.3 (MANE Select); coding-DNA position 12464, A replaced by C.
Protein change: p.Gln4155Pro; replaces glutamine 4155 with proline.
Molecular consequence: missense variant.
Genome position (GRCh38, 1-based): chr4:125,477,319, A>C. VCF-style: chr4-125477319-A-C. GRCh37 (hg19) VCF-style: chr4-126398474-A-C.
Other names: c.12464A>C, p.Gln4155Pro (NM_001291285.3); c.12458A>C, p.Gln4153Pro (NM_024582.6); short protein forms Q4153P, Q4155P.
Identifiers: ClinVar variation 1939237 (VCV001939237.5), dbSNP rs772179574, ClinGen allele CA3074093.

ClinVar aggregate classification (germline): Uncertain significance (1 of 4 stars; one submission).

Allele frequency attached by ClinVar (database versions not stated): gnomAD exomes below 0.00001; TOPMed below 0.00001; ExAC 0.00001; gnomAD 0.00001.
gnomAD v4.1: 3 of 1,582,092 alleles (0.00019%); highest among the groups gnomAD compares: East Asian, 0.0069%; no homozygotes.

Submission:

Labcorp Genetics (formerly Invitae), Labcorp
Classification: Uncertain significance. Last evaluated: 2022-06-28. Review status: criteria provided, single submitter. Criteria: Invitae Variant Classification Sherloc (09022015). Collection method: clinical testing. Allele origin: germline.
Comment: This sequence change replaces glutamine, which is neutral and polar, with proline, which is neutral and non-polar, at codon 4153 of the FAT4 protein (p.Gln4153Pro). This variant is present in population databases (rs772179574, gnomAD 0.006%). This variant has not been reported in the literature in individuals affected with FAT4-related conditions. Advanced modeling of protein sequence and biophysical properties (such as structural, functional, and spatial information, amino acid conservation, physicochemical variation, residue mobility, and thermodynamic stability) performed at Invitae indicates that this missense variant is not expected to disrupt FAT4 protein function. In summary, the available evidence is currently insufficient to determine the role of this variant in disease. Therefore, it has been classified as a Variant of Uncertain Significance.